The following is an entry in ClinVar:

NM_001365951.3(KIF1B):c.3380G>A (p.Ser1127Asn)

Gene: KIF1B (kinesin family member 1B; plus strand). Cytogenetic location: 1p36.22.
Variant type: single nucleotide variant.
Coding change: c.3380G>A on transcript NM_001365951.3 (MANE Select); coding-DNA position 3380, G replaced by A.
Protein change: p.Ser1127Asn; replaces serine 1127 with asparagine.
Molecular consequence: missense variant.
Genome position (GRCh38, 1-based): chr1:10,337,491, G>A. VCF-style: chr1-10337491-G-A. GRCh37 (hg19) VCF-style: chr1-10397549-G-A.
Other names: c.3380G>A, p.Ser1127Asn (NM_001365952.1); c.3242G>A, p.Ser1081Asn (NM_015074.3); short protein forms S1081N, S1127N.
Identifiers: ClinVar variation 1729316 (VCV001729316.9), dbSNP rs749228080, ClinGen allele CA581757.
Genomic context (GRCh38, chr1:10,337,491, plus strand): 5'-TTGGCAACCACCTGAAACTGGGCAGTGCCTTCACTTTCCGAGTAACAGTGTTGCAGGCCA[G>A]TGGAATCCTCCCAGAGTATGCAGATATCTTCTGTCAGTTCAAGTAAGCTGCCCCTTTGCT-3'
Protein context (NP_001352880.1, residues 1117-1137): FTFRVTVLQA[Ser1127Asn]GILPEYADIF

ClinVar aggregate classification (germline): Uncertain significance. Review status: criteria provided, multiple submitters, no conflicts (2 of 4 stars). 2 submissions from 2 submitters: Uncertain significance (2). Last evaluated 2025-06-18.

Conditions:
Charcot-Marie-Tooth disease type 2. Also called: Charcot-Marie-Tooth type 2. Identifiers: Orphanet 64746, MedGen C0270914, MONDO:0018993.

Allele frequency attached by ClinVar (database versions not stated): gnomAD exomes 0.00001; gnomAD 0.00001; ExAC 0.00001.
gnomAD v4.1: 15 of 1,614,088 alleles (0.00093%); highest among the groups gnomAD compares: Non-Finnish European, 0.0013%; no homozygotes.

Submissions (2):

Ambry Genetics
Classification: Uncertain significance. Last evaluated: 2025-06-18. Review status: criteria provided, single submitter. Criteria: Ambry Variant Classification Scheme 2023. Collection method: clinical testing. Allele origin: germline.
Comment: The p.S1081N variant (also known as c.3242G>A), located in coding exon 28 of the KIF1B gene, results from a G to A substitution at nucleotide position 3242. The serine at codon 1081 is replaced by asparagine, an amino acid with highly similar properties. This amino acid position is highly conserved in available vertebrate species. In addition, this alteration is predicted to be tolerated by in silico analysis. Since supporting evidence is limited at this time, the clinical significance of this alteration remains unclear.

Labcorp Genetics (formerly Invitae), Labcorp
Classification: Uncertain significance for Charcot-Marie-Tooth disease type 2. Last evaluated: 2023-09-09. Review status: criteria provided, single submitter. Criteria: Invitae Variant Classification Sherloc (09022015). Collection method: clinical testing. Allele origin: germline.
Comment: This sequence change replaces serine, which is neutral and polar, with asparagine, which is neutral and polar, at codon 1081 of the KIF1B protein (p.Ser1081Asn). This variant is present in population databases (rs749228080, gnomAD 0.002%). This variant has not been reported in the literature in individuals affected with KIF1B-related conditions. ClinVar contains an entry for this variant (Variation ID: 1729316). An algorithm developed to predict the effect of missense changes on protein structure and function (PolyPhen-2) suggests that this variant is likely to be tolerated. In summary, the available evidence is currently insufficient to determine the role of this variant in disease. Therefore, it has been classified as a Variant of Uncertain Significance.